The following is an entry in ClinVar:

ClinVar aggregate classification (germline): Uncertain significance (1 of 4 stars; one submission).

gnomAD v4.1: 2 of 1,614,054 alleles (0.00012%); highest among the groups gnomAD compares: Non-Finnish European, 0.00017%; no homozygotes.

Submission:

Labcorp Genetics (formerly Invitae), Labcorp
Classification: Uncertain significance. Last evaluated: 2024-08-17. Review status: criteria provided, single submitter. Criteria: Invitae Variant Classification Sherloc (09022015). Collection method: clinical testing. Allele origin: germline.
Comment: This sequence change replaces valine, which is neutral and non-polar, with alanine, which is neutral and non-polar, at codon 560 of the DSG1 protein (p.Val560Ala). This variant is not present in population databases (gnomAD no frequency). This variant has not been reported in the literature in individuals affected with DSG1-related conditions. Invitae Evidence Modeling of protein sequence and biophysical properties (such as structural, functional, and spatial information, amino acid conservation, physicochemical variation, residue mobility, and thermodynamic stability) indicates that this missense variant is not expected to disrupt DSG1 protein function with a negative predictive value of 80%. In summary, the available evidence is currently insufficient to determine the role of this variant in disease. Therefore, it has been classified as a Variant of Uncertain Significance.

NM_001942.4(DSG1):c.1679T>C (p.Val560Ala)

Gene: DSG1 (desmoglein 1; plus strand). Cytogenetic location: 18q12.1.
Variant type: single nucleotide variant.
Coding change: c.1679T>C on transcript NM_001942.4 (MANE Select); coding-DNA position 1679, T replaced by C.
Protein change: p.Val560Ala; replaces valine 560 with alanine.
Molecular consequence: missense variant.
Genome position (GRCh38, 1-based): chr18:31,340,017, T>C. VCF-style: chr18-31340017-T-C. GRCh37 (hg19) VCF-style: chr18-28919980-T-C.
Other names: short protein forms V560A.
Identifiers: ClinVar variation 3696663 (VCV003696663.2).